The following is an entry in ClinVar:

ClinVar aggregate classification (germline): Uncertain significance. Review status: criteria provided, multiple submitters, no conflicts (2 of 4 stars). 2 submissions from 2 submitters: Uncertain significance (2). Last evaluated 2024-07-09.

Conditions:
Leukocyte adhesion deficiency 3. Also called: INTEGRIN ACTIVATION DEFICIENCY DISEASE; LEUKOCYTE ADHESION DEFICIENCY 1 VARIANT; Leukocyte adhesion deficiency, type III. Identifiers: Orphanet 2968, Orphanet 99844, MedGen C2748536, MONDO:0013016, OMIM 612840.
Inborn genetic diseases. Identifiers: MedGen C0950123, MeSH D030342.

Allele frequency attached by ClinVar (database versions not stated): gnomAD 0.00001; ExAC 0.00002; TOPMed 0.00002; ESP Exome Variant Server 0.00008.

Submissions (2):

Ambry Genetics
Classification: Uncertain significance for Inborn genetic diseases. Last evaluated: 2024-07-09. Review status: criteria provided, single submitter. Criteria: Ambry Variant Classification Scheme 2023. Collection method: clinical testing. Allele origin: germline.

Labcorp Genetics (formerly Invitae), Labcorp
Classification: Uncertain significance for Leukocyte adhesion deficiency 3. Last evaluated: 2022-06-10. Review status: criteria provided, single submitter. Criteria: Invitae Variant Classification Sherloc (09022015). Collection method: clinical testing. Allele origin: germline.
Comment: This variant has not been reported in the literature in individuals affected with FERMT3-related conditions. This variant is present in population databases (rs376084645, gnomAD 0.01%). This sequence change replaces arginine, which is basic and polar, with histidine, which is basic and polar, at codon 55 of the FERMT3 protein (p.Arg55His). Algorithms developed to predict the effect of missense changes on protein structure and function are either unavailable or do not agree on the potential impact of this missense change (SIFT: "Tolerated"; PolyPhen-2: "Possibly Damaging"; Align-GVGD: "Class C0"). In summary, the available evidence is currently insufficient to determine the role of this variant in disease. Therefore, it has been classified as a Variant of Uncertain Significance.

NM_031471.6(FERMT3):c.164G>A (p.Arg55His)

Gene: FERMT3 (FERM domain containing kindlin 3; plus strand). Cytogenetic location: 11q13.1.
Variant type: single nucleotide variant.
Coding change: c.164G>A on transcript NM_031471.6 (MANE Select); coding-DNA position 164, G replaced by A.
Protein change: p.Arg55His; replaces arginine 55 with histidine.
Molecular consequence: missense variant. On other transcripts: 5 prime UTR variant (2).
Genome position (GRCh38, 1-based): chr11:64,210,614, G>A. VCF-style: chr11-64210614-G-A. GRCh37 (hg19) VCF-style: chr11-63978086-G-A.
Other names: c.164G>A (NM_031471.5); c.164G>A, p.Arg55His (NM_001382361.1, NM_001382362.1, NM_001382448.1 and 1 more transcripts); c.-377G>A (NM_001382363.1, NM_001382364.1); short protein forms R55H.
Identifiers: ClinVar variation 2148475 (VCV002148475.5), dbSNP rs376084645, ClinGen allele CA6068681.